The following is an entry in ClinVar:

NM_004533.4(MYBPC2):c.1404G>A (p.Thr468=)

Gene: MYBPC2 (myosin binding protein C2; plus strand). Cytogenetic location: 19q13.33.
Variant type: single nucleotide variant.
Coding change: c.1404G>A on transcript NM_004533.4 (MANE Select); coding-DNA position 1404, G replaced by A.
Protein change: p.Thr468=; no amino-acid change (threonine 468 retained).
Molecular consequence: synonymous variant.
Genome position (GRCh38, 1-based): chr19:50,448,322, G>A. VCF-style: chr19-50448322-G-A. GRCh37 (hg19) VCF-style: chr19-50951579-G-A.
Other names: NC_000019.9:g.50951579G>A.
Identifiers: ClinVar variation 2650334 (VCV002650334.25), dbSNP rs190538269, ClinGen allele CA9597688.

ClinVar aggregate classification (germline): Likely benign (1 of 4 stars; one submission).

Allele frequency attached by ClinVar (database versions not stated): 1000 Genomes Project 0.00040; 1000 Genomes Project 30x 0.00062; TOPMed 0.00319; ESP Exome Variant Server 0.00351; gnomAD exomes 0.00408; ExAC 0.00452; gnomAD 0.00505.
gnomAD v4.1: 6,636 of 1,613,884 alleles (0.41%); highest among the groups gnomAD compares: Non-Finnish European, 0.48%; 83 homozygotes.

Submissions (10):

CeGaT Center for Human Genetics Tuebingen
Classification: Likely benign. Last evaluated: 2025-04-01. Review status: criteria provided, single submitter. Criteria: CeGaT Center For Human Genetics Tuebingen Variant Classification Criteria Version 2. Collection method: clinical testing. Allele origin: germline. Affected: yes. Observed: 2 variant alleles.
Comment: MYBPC2: BP4, BP7, BS2

Dr. Peter K. Rogan Lab, Western University
No classification provided (evidence only). Condition: Lung cancer. Review status: no classification provided. Collection method: in vitro. Allele origin: not applicable. Functional consequence: retained intron. Not counted in ClinVar's aggregate classification.

Dr. Peter K. Rogan Lab, Western University
No classification provided (evidence only). Condition: Lung cancer. Review status: no classification provided. Collection method: in vitro. Allele origin: not applicable. Functional consequence: retained intron. Not counted in ClinVar's aggregate classification.

Dr. Peter K. Rogan Lab, Western University
No classification provided (evidence only). Condition: Melanoma. Review status: no classification provided. Collection method: in vitro. Allele origin: not applicable. Functional consequence: retained intron. Not counted in ClinVar's aggregate classification.

Dr. Peter K. Rogan Lab, Western University
No classification provided (evidence only). Condition: Colorectal cancer. Review status: no classification provided. Collection method: in vitro. Allele origin: not applicable. Functional consequence: retained intron. Not counted in ClinVar's aggregate classification.

Dr. Peter K. Rogan Lab, Western University
No classification provided (evidence only). Condition: Thyroid cancer, nonmedullary, 1. Review status: no classification provided. Collection method: in vitro. Allele origin: not applicable. Functional consequence: retained intron. Not counted in ClinVar's aggregate classification.

Dr. Peter K. Rogan Lab, Western University
No classification provided (evidence only). Condition: Cervical cancer. Review status: no classification provided. Collection method: in vitro. Allele origin: not applicable. Functional consequence: retained intron. Not counted in ClinVar's aggregate classification.

Dr. Peter K. Rogan Lab, Western University
No classification provided (evidence only). Condition: Nonpapillary renal cell carcinoma. Review status: no classification provided. Collection method: in vitro. Allele origin: not applicable. Functional consequence: retained intron. Not counted in ClinVar's aggregate classification.

Dr. Peter K. Rogan Lab, Western University
No classification provided (evidence only). Condition: Ovarian serous cystadenocarcinoma. Review status: no classification provided. Collection method: in vitro. Allele origin: not applicable. Functional consequence: retained intron. Not counted in ClinVar's aggregate classification.

Dr. Peter K. Rogan Lab, Western University
No classification provided (evidence only). Condition: Malignant tumor of esophagus. Review status: no classification provided. Collection method: in vitro. Allele origin: not applicable. Functional consequence: retained intron. Not counted in ClinVar's aggregate classification.